The following is an entry in ClinVar:

ClinVar aggregate classification (germline): Pathogenic. Review status: criteria provided, multiple submitters, no conflicts (2 of 4 stars). 2 submissions from 2 submitters: Pathogenic (2). Last evaluated 2025-02-13.

Allele frequency attached by ClinVar (database versions not stated): gnomAD 0.00001; TOPMed 0.00001; gnomAD exomes 0.00007 and below 0.00001; ExAC 0.00001.

Submissions (2):

Labcorp Genetics (formerly Invitae), Labcorp
Classification: Pathogenic. Last evaluated: 2025-02-13. Review status: criteria provided, single submitter. Criteria: Invitae Variant Classification Sherloc (09022015). Collection method: clinical testing. Allele origin: germline.
Comment: This sequence change creates a premature translational stop signal (p.Gln566Hisfs*63) in the SKIV2L gene. It is expected to result in an absent or disrupted protein product. Loss-of-function variants in SKIV2L are known to be pathogenic (PMID: 22444670). This variant is present in population databases (rs766089213, gnomAD 0.0009%). This variant has not been reported in the literature in individuals affected with SKIV2L-related conditions. ClinVar contains an entry for this variant (Variation ID: 817878). For these reasons, this variant has been classified as Pathogenic.

GeneDx
Classification: Pathogenic. Last evaluated: 2018-11-08. Review status: criteria provided, single submitter. Criteria: GeneDx Variant Classification (06012015). Collection method: clinical testing. Allele origin: germline. Affected: yes.
Comment: The c.1698delG variant in the SKIV2L gene has not been reported previously as a pathogenic variant nor as a benign variant, to our knowledge. The c.1698delG variant causes a frameshift starting with codon Glutamine 566, changes this amino acid to a Histidine residue, and creates a premature Stop codon at position 63 of the new reading frame, denoted p.Gln566HisfsX63. This variant is predicted to cause loss of normal protein function either through protein truncation or nonsense-mediated mRNA decay. The c.1698delG variant is not observed at a significant frequency in large population cohorts (Lek et al., 2016). We interpret c.1698delG as a pathogenic variant.

Literature cited by the submitters: PubMed 22444670 (cited by Labcorp Genetics (formerly Invitae), Labcorp).

NM_006929.5(SKIC2):c.1698del (p.Gln566fs)

Gene: SKIC2 (SKI2 subunit of superkiller complex; plus strand). Cytogenetic location: 6p21.33.
Variant type: Deletion.
Coding change: c.1698del on transcript NM_006929.5 (MANE Select); coding-DNA position 1698, one base deleted (G; older notation c.1698delG).
Protein change: p.Gln566fs; shifts the reading frame from glutamine 566.
Molecular consequence: frameshift variant.
Genome position (GRCh38, 1-based): chr6:31,963,963, G deleted. VCF-style (leftmost placement, unchanged base first): chr6-31963962-AG-A. GRCh37 (hg19) VCF-style: chr6-31931739-AG-A.
Other names: short protein forms Q566fs.
Identifiers: ClinVar variation 817878 (VCV000817878.5), dbSNP rs766089213, ClinGen allele CA3729561.